The following is an entry in ClinVar:

ClinVar aggregate classification (germline): Pathogenic/Likely pathogenic. Review status: criteria provided, multiple submitters, no conflicts (2 of 4 stars). 2 submissions from 2 submitters: Pathogenic (1); Likely pathogenic (1). Last evaluated 2026-01-09.

Conditions:
Pheochromocytoma. Also called: MAX-Related Hereditary Paraganglioma-Pheochromocytoma Syndrome. Identifiers: Orphanet 29072, MedGen C0031511, MONDO:0008233, OMIM 171300, HP:0002666.
Gastrointestinal stromal tumor. Also called: Gastrointestinal stromal tumor, somatic; Gastrointestinal stroma tumor. Identifiers: Orphanet 44890, MedGen C0238198, MeSH D046152, MONDO:0011719, OMIM 606764, HP:0100723.
Pheochromocytoma/paraganglioma syndrome 4. Also called: CAROTID BODY TUMORS AND MULTIPLE EXTRAADRENAL PHEOCHROMOCYTOMAS; PARAGANGLIOMA, FAMILIAL MALIGNANT; PARAGANGLIOMAS, HEREDITARY EXTRAADRENAL; PHEOCHROMOCYTOMA, FAMILIAL EXTRAADRENAL; Paragangliomas 4; SDHB-Related Hereditary Paraganglioma-Pheochromocytoma Syndrome (Paragangliomas 4). Identifiers: Orphanet 29072, MedGen C1861848, MONDO:0007273, OMIM 115310.
Hereditary cancer-predisposing syndrome. Also called: Neoplastic Syndromes, Hereditary; Hereditary neoplastic syndrome; Tumor predisposition; Hereditary Cancer Syndrome. Identifiers: Orphanet 140162, MedGen C0027672, MeSH D009386, MONDO:0015356.

Submissions (2):

Ambry Genetics
Classification: Likely pathogenic for Hereditary cancer-predisposing syndrome. Last evaluated: 2026-01-09. Review status: criteria provided, single submitter. Criteria: Ambry Variant Classification Scheme 2023. Collection method: clinical testing. Allele origin: germline.
Comment: The c.784delG variant, located in coding exon 8 of the SDHB gene, results from a deletion of one nucleotide at nucleotide position 784, causing a translational frameshift with a predicted alternate stop codon (p.A262Lfs*8). This alteration occurs at the 3' terminus of the gene, is not expected to trigger nonsense-mediated mRNA decay, and impacts the last 6.8% of the protein. However, premature stop codons are typically deleterious in nature and the impacted region is critical for protein function (Ambry internal data). This variant is considered to be rare based on population cohorts in the Genome Aggregation Database (gnomAD). Based on the majority of available evidence to date, this variant is likely to be pathogenic.

Labcorp Genetics (formerly Invitae), Labcorp
Classification: Pathogenic for Gastrointestinal stromal tumor; Pheochromocytoma/paraganglioma syndrome 4; Pheochromocytoma. Last evaluated: 2024-07-04. Review status: criteria provided, single submitter. Criteria: Invitae Variant Classification Sherloc (09022015). Collection method: clinical testing. Allele origin: germline.
Comment: This sequence change creates a premature translational stop signal (p.Ala262Leufs*8) in the SDHB gene. While this is not anticipated to result in nonsense mediated decay, it is expected to disrupt the last 19 amino acid(s) of the SDHB protein. This variant is not present in population databases (gnomAD no frequency). This variant has not been reported in the literature in individuals affected with SDHB-related conditions. This variant disrupts a region of the SDHB protein in which other variant(s) (p.Ile263Serfs*13) have been determined to be pathogenic (Invitae). This suggests that this is a clinically significant region of the protein, and that variants that disrupt it are likely to be disease-causing. For these reasons, this variant has been classified as Pathogenic.

NM_003000.3(SDHB):c.784del (p.Ala262fs)

Gene: SDHB (succinate dehydrogenase complex iron sulfur subunit B; minus strand). Cytogenetic location: 1p36.13.
Variant type: Deletion.
Coding change: c.784del on transcript NM_003000.3 (MANE Select); coding-DNA position 784, one base deleted (G; older notation c.784delG).
Protein change: p.Ala262fs; shifts the reading frame from alanine 262.
Molecular consequence: frameshift variant.
Genome position (GRCh38, 1-based): chr1:17,018,940, C deleted on the plus strand (G on the coding strand, the reverse complement: SDHB is on the minus strand). VCF-style (leftmost placement, unchanged base first): chr1-17018939-GC-G. GRCh37 (hg19) VCF-style: chr1-17345434-GC-G.
Other names: c.730del, p.Ala244fs (NM_001407361.1); short protein forms A244fs, A262fs.
Identifiers: ClinVar variation 2949817 (VCV002949817.4), dbSNP rs2524995090, ClinGen allele CA2740090513.